The following is an entry in ClinVar:

Conditions:
Breast-ovarian cancer, familial, susceptibility to, 1 (BROVCA1). Also called: BRCA1 Hereditary Breast and Ovarian Cancer; OVARIAN CANCER, SUSCEPTIBILITY TO. Identifiers: Orphanet 145, MedGen C2676676, MONDO:0011450, OMIM 604370. Disease mechanism: loss of function.

Submission:

Brotman Baty Institute, University of Washington
No classification provided (evidence only). Condition: Breast-ovarian cancer, familial 1. Review status: no classification provided. Collection method: in vitro. Allele origin: not applicable. Functional consequence: functionally_normal.
ClinVar note: "not provided" was previously submitted as the classification for the variant. However, the classification appeared to be based only on an observation of functional data so it was converted to no classification on 2025-07-30.

NM_007294.4(BRCA1):c.78C>A (p.Ile26=)

Gene: BRCA1 (BRCA1 DNA repair associated; minus strand). Cytogenetic location: 17q21.31.
Variant type: single nucleotide variant.
Coding change: c.78C>A on transcript NM_007294.4 (MANE Select); coding-DNA position 78, C replaced by A.
Protein change: p.Ile26=; no amino-acid change (isoleucine 26 retained).
Molecular consequence: synonymous variant. On other transcripts: 5 prime UTR variant (136), intron variant (36).
Genome position (GRCh38, 1-based): chr17:43,124,019, G>T on the plus strand (C>A on the coding strand, the complement: BRCA1 is on the minus strand). VCF-style: chr17-43124019-G-T. GRCh37 (hg19) VCF-style: chr17-41276036-G-T.
Other names: c.-111C>A (NM_001407571.1, NM_001407853.1, NM_001407879.1 and 46 more transcripts); c.78C>A, p.Ile26= (NM_001407581.1, NM_001407582.1, NM_001407583.1 and 193 more transcripts); c.-180C>A (NM_001407694.1, NM_001407724.1, NM_001407727.1 and 11 more transcripts); c.-184C>A (NM_001407695.1, NM_001408465.1); c.-325C>A (NM_001407696.1); c.-209C>A (NM_001407697.1, NM_001407846.1, NM_001407920.1); c.-10C>A (NM_001407698.1, NM_001407732.1, NM_001407736.1 and 23 more transcripts); c.-183C>A (NM_001407725.1, NM_001407730.1, NM_001407734.1 and 22 more transcripts); and 23 more.
Identifiers: ClinVar variation 867747 (VCV000867747.3), dbSNP rs1555600862, ClinGen allele CA500131328.